The following is an entry in ClinVar:

NM_000466.3(PEX1):c.833C>G (p.Ser278Ter)

Gene: PEX1 (peroxisomal biogenesis factor 1; minus strand). Cytogenetic location: 7q21.2.
Variant type: single nucleotide variant.
Coding change: c.833C>G on transcript NM_000466.3 (MANE Select); coding-DNA position 833, C replaced by G.
Protein change: p.Ser278Ter; replaces serine 278 with a stop codon.
Molecular consequence: nonsense.
Genome position (GRCh38, 1-based): chr7:92,517,682, G>C on the plus strand (C>G on the coding strand, the complement: PEX1 is on the minus strand). VCF-style: chr7-92517682-G-C. GRCh37 (hg19) VCF-style: chr7-92146996-G-C.
Other names: c.833C>G, p.Ser278Ter (NM_001282677.2); c.209C>G, p.Ser70Ter (NM_001282678.2); short protein forms S70*, S278*.
Identifiers: ClinVar variation 2040673 (VCV002040673.4), dbSNP rs2484703148, ClinGen allele CA368199544.
Genomic context (GRCh38, chr7:92,517,682, plus strand): 5'-TATATACTAGGAGGTTGAGATTTGCATACTCTGAAAATATTGTCTAGAGGAACAACCTTT[G>C]ACTGCATATTTTTGAATGCATTGATTTCAGTTAAACCCCAAGATGTCTCTTGTTTCTTCT-3'

ClinVar aggregate classification (germline): Pathogenic (1 of 4 stars; one submission).

Conditions:
Zellweger spectrum disorders (ZS). Also called: Zellweger Spectrum Disorder; Zellweger Spectrum; Zellweger Spectrum Disorder (ZSD); Zellweger syndrome. Identifiers: Orphanet 912, MedGen C0043459, MONDO:0019609.

Submission:

Labcorp Genetics (formerly Invitae), Labcorp
Classification: Pathogenic for Zellweger spectrum disorders. Last evaluated: 2023-09-19. Review status: criteria provided, single submitter. Criteria: Invitae Variant Classification Sherloc (09022015). Collection method: clinical testing. Allele origin: germline.
Comment: This sequence change creates a premature translational stop signal (p.Ser278*) in the PEX1 gene. It is expected to result in an absent or disrupted protein product. Loss-of-function variants in PEX1 are known to be pathogenic (PMID: 21031596, 26387595, 31831025). This variant is not present in population databases (gnomAD no frequency). This variant has not been reported in the literature in individuals affected with PEX1-related conditions. ClinVar contains an entry for this variant (Variation ID: 2040673). For these reasons, this variant has been classified as Pathogenic.

Literature cited by the submitters: PubMed 21031596; PubMed 26387595; PubMed 31831025.